The following is an entry in ClinVar:

NM_000521.4(HEXB):c.1469dup (p.Glu491fs)

Gene: HEXB (hexosaminidase subunit beta; plus strand). Cytogenetic location: 5q13.3.
Variant type: Duplication.
Coding change: c.1469dup on transcript NM_000521.4 (MANE Select); coding-DNA position 1469, one base duplicated (G; older notation c.1469dupG).
Protein change: p.Glu491fs; shifts the reading frame from glutamic acid 491.
Molecular consequence: frameshift variant.
Genome position (GRCh38, 1-based): chr5:74,720,479, G duplicated; the last of 4 consecutive G bases (chr5:74,720,476-74,720,479); duplicating any one gives the same sequence. VCF-style (leftmost placement, unchanged base first): chr5-74720475-T-TG. GRCh37 (hg19) VCF-style: chr5-74016300-T-TG.
Other names: c.794dup, p.Glu266fs (NM_001292004.2); short protein forms E266fs, E491fs.
Identifiers: ClinVar variation 2839419 (VCV002839419.3), dbSNP rs1212796323, ClinGen allele CA813920698.

ClinVar aggregate classification (germline): Pathogenic (1 of 4 stars; one submission).

Conditions:
Sandhoff disease. Also called: Beta-hexosaminidase-beta-subunit deficiency; GM2 gangliosidosis, type 2; Total hexosaminidase deficiency; Sandhoff-Jatzkewitz-Pilz disease; GM2-GANGLIOSIDOSIS, TYPE II; HEXOSAMINIDASES A AND B DEFICIENCY. Identifiers: Orphanet 796, MedGen C0036161, MONDO:0010006, OMIM 268800.

Submission:

Labcorp Genetics (formerly Invitae), Labcorp
Classification: Pathogenic for Sandhoff disease. Last evaluated: 2023-02-21. Review status: criteria provided, single submitter. Criteria: Invitae Variant Classification Sherloc (09022015). Collection method: clinical testing. Allele origin: germline.
Comment: This sequence change creates a premature translational stop signal (p.Glu491Argfs*7) in the HEXB gene. It is expected to result in an absent or disrupted protein product. Loss-of-function variants in HEXB are known to be pathogenic (PMID: 7550345, 18758829). For these reasons, this variant has been classified as Pathogenic. This variant has not been reported in the literature in individuals affected with HEXB-related conditions. This variant is not present in population databases (gnomAD no frequency).

Literature cited by the submitters: PubMed 7550345; PubMed 18758829.